The following is an entry in ClinVar:

NM_000053.4(ATP7B):c.2359A>G (p.Lys787Glu)

Gene: ATP7B (ATPase copper transporting beta; minus strand). Cytogenetic location: 13q14.3.
Variant type: single nucleotide variant.
Coding change: c.2359A>G on transcript NM_000053.4 (MANE Select); coding-DNA position 2359, A replaced by G.
Protein change: p.Lys787Glu; replaces lysine 787 with glutamic acid.
Molecular consequence: missense variant. On other transcripts: intron variant (1).
Genome position (GRCh38, 1-based): chr13:51,957,604, T>C on the plus strand (A>G on the coding strand, the complement: ATP7B is on the minus strand). VCF-style: chr13-51957604-T-C. GRCh37 (hg19) VCF-style: chr13-52531740-T-C.
Other names: c.1873A>G, p.Lys625Glu (NM_001005918.3, NM_001406546.1, NM_001406541.1 and 1 more transcripts); c.2026A>G, p.Lys676Glu (NM_001243182.2); c.2125A>G, p.Lys709Glu (NM_001330578.2, NM_001406527.1, NM_001406528.1 and 2 more transcripts); c.2107A>G, p.Lys703Glu (NM_001330579.2, NM_001406531.1, NM_001406532.1 and 1 more transcripts); c.2359A>G, p.Lys787Glu (NM_001406511.1, NM_001406512.1, NM_001406513.1 and 7 more transcripts); c.2326A>G, p.Lys776Glu (NM_001406514.1); c.2263A>G, p.Lys755Glu (NM_001406517.1, NM_001406518.1); c.2215A>G, p.Lys739Glu (NM_001406520.1, NM_001406521.1, NM_001406522.1 and 1 more transcripts); and 8 more; short protein forms K571E, K593E, K625E, K644E, K671E, K676E, K677E, K703E.
Identifiers: ClinVar variation 3075612 (VCV003075612.1), dbSNP rs2547710210, ClinGen allele CA388020414.

ClinVar aggregate classification (germline): Uncertain significance (1 of 4 stars; one submission).

Conditions:
Wilson disease (WND). Also called: Wilson's disease. Identifiers: Orphanet 905, MedGen C0019202, MONDO:0010200, OMIM 277900. Disease mechanism: loss of function.

Submission:

All of Us Research Program, National Institutes of Health
Classification: Uncertain significance for Wilson disease. Last evaluated: 2023-11-20. Review status: criteria provided, single submitter. Criteria: ACMG Guidelines, 2015. Collection method: clinical testing. Allele origin: germline. Inheritance: Autosomal recessive inheritance. Observed: 2 variant alleles, 2 heterozygotes.
Comment: This missense variant replaces lysine with glutamic acid at codon 787 of the ATP7B protein. Computational prediction suggests that this variant may have deleterious impact on protein structure and function (internally defined REVEL score threshold >= 0.7, PMID: 27666373). To our knowledge, functional studies have not been reported for this variant. This variant has not been reported in individuals affected with Wilson disease in the literature. This variant has not been identified in the general population by the Genome Aggregation Database (gnomAD). The available evidence is insufficient to determine the role of this variant in disease conclusively. Therefore, this variant is classified as a Variant of Uncertain Significance.

This study involves interpretation of variants in research participants for the purpose of population health screening. Participant phenotype was not available at the time of variant classification. Additional details can be found in publication PMID: 35346344, PMCID: PMC8962531